The following is an entry in ClinVar:

NM_001371279.1(REEP1):c.*954G>A

Gene: REEP1 (receptor accessory protein 1; minus strand). Cytogenetic location: 2p11.2.
Variant type: single nucleotide variant.
Coding change: c.*954G>A on transcript NM_001371279.1 (MANE Select); 954 bases downstream of the stop codon, G replaced by A.
Molecular consequence: 3 prime UTR variant.
Genome position (GRCh38, 1-based): chr2:86,216,085, C>T on the plus strand (G>A on the coding strand, the complement: REEP1 is on the minus strand). VCF-style: chr2-86216085-C-T. GRCh37 (hg19) VCF-style: chr2-86443208-C-T.
Other names: c.*1015G>A (NM_001164730.2, NM_001164731.2, NM_022912.3); c.*954G>A (NM_001164732.2, NM_001371280.1).
Identifiers: ClinVar variation 337378 (VCV000337378.9), dbSNP rs17510310, ClinGen allele CA10614587.

ClinVar aggregate classification (germline): Likely benign. Review status: criteria provided, multiple submitters, no conflicts (2 of 4 stars). 3 submissions from 3 submitters: Likely benign (3). Last evaluated 2018-06-23.

Conditions:
Hereditary spastic paraplegia 31. Also called: SPASTIC PARAPLEGIA 31, AUTOSOMAL DOMINANT. Identifiers: Orphanet 101011, MedGen C1853247, MONDO:0012453, OMIM 610250.

Allele frequency attached by ClinVar (database versions not stated): 1000 Genomes Project 30x 0.00796; 1000 Genomes Project 0.00819; TOPMed 0.01791; gnomAD 0.01821 and 0.01856.

Submissions (3):

GeneDx
Classification: Likely benign. Last evaluated: 2018-06-23. Review status: criteria provided, single submitter. Criteria: GeneDx Variant Classification Process June 2021. Collection method: clinical testing. Allele origin: germline. Affected: yes.

Illumina Laboratory Services, Illumina
Classification: Likely benign for Hereditary spastic paraplegia 31. Last evaluated: 2017-04-27. Review status: criteria provided, single submitter. Criteria: ICSL Variant Classification Criteria 13 December 2019. Collection method: clinical testing. Allele origin: germline.
Comment: This variant was observed as part of a predisposition screen in an ostensibly healthy population. A literature search was performed for the gene, cDNA change, and amino acid change (where applicable). No publications were found based on this search. Allele frequency data from public databases allowed determination this variant is unlikely to cause disease. Therefore, this variant is classified as likely benign.

Breakthrough Genomics
Classification: Likely benign. Review status: criteria provided, single submitter. Criteria: ACMG Guidelines, 2015. Collection method: not provided. Allele origin: germline. Inheritance: Autosomal recessive inheritance. Affected: yes.